The following is an entry in ClinVar:

ClinVar aggregate classification (germline): Pathogenic. Review status: criteria provided, single submitter (1 of 4 stars). 2 submissions from 2 submitters: Pathogenic (1). 1 of the submissions does not count toward it. Last evaluated 2025-03-31.

Conditions:
Alagille syndrome due to a JAG1 point mutation. Also called: HEPATIC DUCTULAR HYPOPLASIA, SYNDROMATIC; Alagille Syndrome 1; JAG1-Related Alagille Syndrome. Identifiers: Orphanet 261619, Orphanet 52, MedGen C1956125, MONDO:0016862, OMIM 118450.

Submissions (2):

Labcorp Genetics (formerly Invitae), Labcorp
Classification: Pathogenic for Alagille syndrome due to a JAG1 point mutation. Last evaluated: 2025-03-31. Review status: criteria provided, single submitter. Criteria: Invitae Variant Classification Sherloc (09022015). Collection method: clinical testing. Allele origin: germline.
Comment: This sequence change creates a premature translational stop signal (p.Cys880*) in the JAG1 gene. It is expected to result in an absent or disrupted protein product. Loss-of-function variants in JAG1 are known to be pathogenic (PMID: 11180599). This variant is not present in population databases (gnomAD no frequency). This premature translational stop signal has been observed in individual(s) with clinical features of Alagille syndrome (PMID: 9207787). ClinVar contains an entry for this variant (Variation ID: 7615). For these reasons, this variant has been classified as Pathogenic.

OMIM
Classification: Pathogenic for ALAGILLE SYNDROME 1. Last evaluated: 1997-07-01. Review status: no assertion criteria provided. Collection method: literature only. Allele origin: germline. Not counted in ClinVar's aggregate classification.

Literature cited by the submitters: PubMed 11180599 (cited by Labcorp Genetics (formerly Invitae), Labcorp); PubMed 9207787 (cited by Labcorp Genetics (formerly Invitae), Labcorp and OMIM).

NM_000214.3(JAG1):c.2639_2640del (p.Asp879_Cys880insTer)

Gene: JAG1 (jagged canonical Notch ligand 1; minus strand). Cytogenetic location: 20p12.2.
Variant type: Deletion.
Coding change: c.2639_2640del on transcript NM_000214.3 (MANE Select); coding-DNA positions 2639 to 2640, 2 bases deleted (GT; older notation c.2639_2640delGT).
Protein change: p.Asp879_Cys880insTer.
Molecular consequence: nonsense.
Genome position (GRCh38, 1-based): chr20:10,641,825-10,641,826, AC deleted on the plus strand (GT on the coding strand, the reverse complement: JAG1 is on the minus strand); deleting any 2 consecutive bases within chr20:10,641,825-10,641,827 gives the same sequence; the c. name uses the placement nearest the transcript's 3' end. VCF-style (leftmost placement, unchanged base first): chr20-10641824-TAC-T. GRCh37 (hg19) VCF-style: chr20-10622472-TAC-T.
Other names: c.2639_2640del, p.Asp879_Cys880insTer (LRG_1191t1).
Identifiers: ClinVar variation 7615 (VCV000007615.8), dbSNP rs1568792286, ClinGen allele CA658768098.